The following is an entry in ClinVar:

ClinVar aggregate classification (germline): Uncertain significance (0 of 4 stars; one submission).

Conditions:
PPP2R5D-related disorder. Also called: PPP2R5D-related condition.

gnomAD v4.1: 1 of 1,614,204 alleles (0.000062%); highest among the groups gnomAD compares: Non-Finnish European, 0.000085%; no homozygotes.

Submission:

PreventionGenetics, part of Exact Sciences
Classification: Uncertain significance for PPP2R5D-related condition. Last evaluated: 2024-06-13. Review status: no assertion criteria provided. Collection method: clinical testing. Allele origin: germline.
Comment: The PPP2R5D c.616G>C variant is predicted to result in the amino acid substitution p.Ala206Pro. To our knowledge, this variant has not been reported in the literature or in a large population database, indicating this variant is rare. At this time, the clinical significance of this variant is uncertain due to the absence of conclusive functional and genetic evidence.

NM_006245.4(PPP2R5D):c.616G>C (p.Ala206Pro)

Gene: PPP2R5D (protein phosphatase 2 regulatory subunit B'delta; plus strand). Cytogenetic location: 6p21.1.
Variant type: single nucleotide variant.
Coding change: c.616G>C on transcript NM_006245.4 (MANE Select); coding-DNA position 616, G replaced by C.
Protein change: p.Ala206Pro; replaces alanine 206 with proline.
Molecular consequence: missense variant.
Genome position (GRCh38, 1-based): chr6:43,007,289, G>C. VCF-style: chr6-43007289-G-C. GRCh37 (hg19) VCF-style: chr6-42975027-G-C.
Other names: c.163G>C, p.Ala55Pro (NM_001270476.2); c.520G>C, p.Ala174Pro (NM_180976.3); c.298G>C, p.Ala100Pro (NM_180977.3); short protein forms A100P, A174P, A206P, A55P.
Identifiers: ClinVar variation 3345092 (VCV003345092.1).